The following is an entry in ClinVar:

ClinVar aggregate classification (germline): Uncertain significance (1 of 4 stars; one submission).

Conditions:
Charcot-Marie-Tooth disease type 4. Also called: Charcot-Marie-Tooth disease, type IV; Charcot-Marie-Tooth, Type 4. Identifiers: Orphanet 64749, MedGen C4082197, MONDO:0018995.

Submission:

Labcorp Genetics (formerly Invitae), Labcorp
Classification: Uncertain significance for Charcot-Marie-Tooth disease type 4. Last evaluated: 2022-02-07. Review status: criteria provided, single submitter. Criteria: Invitae Variant Classification Sherloc (09022015). Collection method: clinical testing. Allele origin: germline.
Comment: This sequence change replaces asparagine, which is neutral and polar, with threonine, which is neutral and polar, at codon 178 of the FIG4 protein (p.Asn178Thr). This variant is not present in population databases (gnomAD no frequency). This variant has not been reported in the literature in individuals affected with FIG4-related conditions. Algorithms developed to predict the effect of missense changes on protein structure and function are either unavailable or do not agree on the potential impact of this missense change (SIFT: "Deleterious"; PolyPhen-2: "Probably Damaging"; Align-GVGD: "Class C0"). In summary, the available evidence is currently insufficient to determine the role of this variant in disease. Therefore, it has been classified as a Variant of Uncertain Significance.

NM_014845.6(FIG4):c.533A>C (p.Asn178Thr)

Gene: FIG4 (FIG4 phosphoinositide 5-phosphatase; plus strand). Cytogenetic location: 6q21.
Variant type: single nucleotide variant.
Coding change: c.533A>C on transcript NM_014845.6 (MANE Select); coding-DNA position 533, A replaced by C.
Protein change: p.Asn178Thr; replaces asparagine 178 with threonine.
Molecular consequence: missense variant.
Genome position (GRCh38, 1-based): chr6:109,735,185, A>C. VCF-style: chr6-109735185-A-C. GRCh37 (hg19) VCF-style: chr6-110056388-A-C.
Other names: short protein forms N178T.
Identifiers: ClinVar variation 2094459 (VCV002094459.4), dbSNP rs2486121561, ClinGen allele CA365219215.
Genomic context (GRCh38, chr6:109,735,185, plus strand): 5'-TATTAAGTTTCAATTCTGTTCTCAGTTACAGCTATGATTTGTCCCACTCACTTCAATATA[A>C]TCTCACTGTCTTGCGAATGCCCCTGGAGATGTTAAAGTCAGAAATGACCCAGAATCGCCA-3'
Protein context (NP_055660.1, residues 168-188): SYDLSHSLQY[Asn178Thr]LTVLRMPLEM